The following is an entry in ClinVar:

NM_002473.6(MYH9):c.2528A>G (p.Gln843Arg)

Gene: MYH9 (myosin heavy chain 9; minus strand). Cytogenetic location: 22q12.3.
Variant type: single nucleotide variant.
Coding change: c.2528A>G on transcript NM_002473.6 (MANE Select); coding-DNA position 2528, A replaced by G.
Protein change: p.Gln843Arg; replaces glutamine 843 with arginine.
Molecular consequence: missense variant.
Genome position (GRCh38, 1-based): chr22:36,301,637, T>C on the plus strand (A>G on the coding strand, the complement: MYH9 is on the minus strand). VCF-style: chr22-36301637-T-C. GRCh37 (hg19) VCF-style: chr22-36697683-T-C.
Other names: short protein forms Q843R.
Identifiers: ClinVar variation 4811606 (VCV004811606.1).

ClinVar aggregate classification (germline): Uncertain significance (1 of 4 stars; one submission).

gnomAD v4.1: 7 of 1,613,876 alleles (0.00043%); highest among the groups gnomAD compares: Non-Finnish European, 0.00042%; no homozygotes.

Submission:

Labcorp Genetics (formerly Invitae), Labcorp
Classification: Uncertain significance. Last evaluated: 2025-06-13. Review status: criteria provided, single submitter. Criteria: Invitae Variant Classification Sherloc (09022015). Collection method: clinical testing. Allele origin: germline.
Comment: This sequence change replaces glutamine, which is neutral and polar, with arginine, which is basic and polar, at codon 843 of the MYH9 protein (p.Gln843Arg). This variant is not present in population databases (gnomAD no frequency). This variant has not been reported in the literature in individuals affected with MYH9-related conditions. Invitae Evidence Modeling of protein sequence and biophysical properties (such as structural, functional, and spatial information, amino acid conservation, physicochemical variation, residue mobility, and thermodynamic stability) indicates that this missense variant is not expected to disrupt MYH9 protein function with a negative predictive value of 80%. In summary, the available evidence is currently insufficient to determine the role of this variant in disease. Therefore, it has been classified as a Variant of Uncertain Significance.